The following is an entry in ClinVar:

ClinVar aggregate classification (germline): Uncertain significance (1 of 4 stars; one submission).

Conditions:
Inborn genetic diseases. Identifiers: MedGen C0950123, MeSH D030342.

Submission:

Ambry Genetics
Classification: Uncertain significance for Inborn genetic diseases. Last evaluated: 2024-07-01. Review status: criteria provided, single submitter. Criteria: Ambry Variant Classification Scheme 2023. Collection method: clinical testing. Allele origin: germline.
Comment: The c.661C>T (p.R221C) alteration is located in exon 5 (coding exon 5) of the CIC gene. This alteration results from a C to T substitution at nucleotide position 661, causing the arginine (R) at amino acid position 221 to be replaced by a cysteine (C). Based on data from gnomAD, the T allele has an overall frequency of <0.001% (1/251126) total alleles studied. The highest observed frequency was 0.001% (1/113656) of European (non-Finnish) alleles. This amino acid position is highly conserved in available vertebrate species. This missense alteration is located in a region that has a low rate of benign missense variation (Lek, 2016; Firth, 2009). This alteration is predicted to be deleterious by in silico analysis. Based on insufficient or conflicting evidence, the clinical significance of this alteration remains unclear.

NM_001386298.1(CIC):c.3388C>T (p.Arg1130Cys)

Gene: CIC (capicua transcriptional repressor; plus strand). Cytogenetic location: 19q13.2.
Variant type: single nucleotide variant.
Coding change: c.3388C>T on transcript NM_001386298.1 (MANE Select); coding-DNA position 3388, C replaced by T.
Protein change: p.Arg1130Cys; replaces arginine 1130 with cysteine.
Molecular consequence: missense variant.
Genome position (GRCh38, 1-based): chr19:42,287,623, C>T. VCF-style: chr19-42287623-C-T. GRCh37 (hg19) VCF-style: chr19-42791775-C-T.
Other names: c.3388C>T, p.Arg1130Cys (NM_001304815.2, NM_001379480.1, NM_001379482.1); c.661C>T, p.Arg221Cys (NM_001379484.1, NM_001379485.1, NM_015125.5); short protein forms R1130C, R221C.
Identifiers: ClinVar variation 3492891 (VCV003492891.1).
Genomic context (GRCh38, chr19:42,287,623, plus strand): 5'-CGGCGGCCCATGAATGCCTTCATGATCTTCAGCAAGCGGCACCGGGCCCTGGTCCACCAG[C>T]GTCATCCCAACCAGGACAACCGGACCGTCAGCAAGATCCTGGGCGAGTGGTGGTATGCCC-3'
Protein context (NP_001373227.1, residues 1120-1140): SKRHRALVHQ[Arg1130Cys]HPNQDNRTVS